The following is an entry in ClinVar:

NM_201384.3(PLEC):c.2108A>G (p.Gln703Arg)

Gene: PLEC (plectin; minus strand). Cytogenetic location: 8q24.3.
Variant type: single nucleotide variant.
Coding change: c.2108A>G on transcript NM_201384.3 (MANE Select); coding-DNA position 2108, A replaced by G.
Protein change: p.Gln703Arg; replaces glutamine 703 with arginine.
Molecular consequence: missense variant.
Genome position (GRCh38, 1-based): chr8:143,932,007, T>C on the plus strand (A>G on the coding strand, the complement: PLEC is on the minus strand). VCF-style: chr8-143932007-T-C. GRCh37 (hg19) VCF-style: chr8-145006175-T-C.
Other names: c.2189A>G, p.Gln730Arg (NM_000445.5, NM_001410941.1); c.2066A>G, p.Gln689Arg (NM_201378.4); c.2042A>G, p.Gln681Arg (NM_201379.3); c.2519A>G, p.Gln840Arg (NM_201380.4); c.2012A>G, p.Gln671Arg (NM_201381.3); c.2108A>G, p.Gln703Arg (NM_201382.4); c.2120A>G, p.Gln707Arg (NM_201383.3); short protein forms Q703R, Q707R, Q730R, Q671R, Q689R, Q681R, Q840R.
Identifiers: ClinVar variation 4791718 (VCV004791718.1).

ClinVar aggregate classification (germline): Uncertain significance (1 of 4 stars; one submission).

Conditions:
Epidermolysis bullosa simplex with nail dystrophy (EBS5D). Identifiers: MedGen C4225309, MONDO:0014661, OMIM 616487.
Epidermolysis bullosa simplex, Ogna type (EBS5A). Also called: EPIDERMOLYSIS BULLOSA SIMPLEX 5A, OGNA TYPE; Pidermolysis bullosa simplex 5A, Ogna type. Identifiers: Orphanet 79401, MedGen C0432317, MONDO:0007555, OMIM 131950.
Autosomal recessive limb-girdle muscular dystrophy type 2Q (LGMDR17). Also called: MUSCULAR DYSTROPHY, LIMB-GIRDLE, AUTOSOMAL RECESSIVE 17. Identifiers: Orphanet 254361, MedGen C3150989, MONDO:0013390, OMIM 613723.
Epidermolysis bullosa simplex 5B, with muscular dystrophy (EBS5B). Also called: EPIDERMOLYSIS BULLOSA SIMPLEX AND LIMB-GIRDLE MUSCULAR DYSTROPHY; Epidermolysis bullosa simplex with muscular dystrophy. Identifiers: Orphanet 257, MedGen C2931072, MONDO:0009181, OMIM 226670.
Epidermolysis bullosa simplex 5C, with pyloric atresia (EBS5C). Also called: PLEC-Related Epidermolysis Bullosa with Pyloric Atresia; Epidermolysis bullosa simplex with pyloric atresia; PLEC1-Related Epidermolysis Bullosa with Pyloric Atresia. Identifiers: Orphanet 158684, MedGen C2677349, MONDO:0012807, OMIM 612138.

gnomAD v4.1: 5 of 1,605,206 alleles (0.00031%); no homozygotes.

Submission:

Labcorp Genetics (formerly Invitae), Labcorp
Classification: Uncertain significance for Autosomal recessive limb-girdle muscular dystrophy type 2Q; Epidermolysis bullosa simplex, Ogna type; Epidermolysis bullosa simplex with nail dystrophy; Epidermolysis bullosa simplex 5C, with pyloric atresia; Epidermolysis bullosa simplex 5B, with muscular dystrophy. Last evaluated: 2025-08-12. Review status: criteria provided, single submitter. Criteria: Invitae Variant Classification Sherloc (09022015). Collection method: clinical testing. Allele origin: germline.
Comment: This sequence change replaces glutamine, which is neutral and polar, with arginine, which is basic and polar, at codon 730 of the PLEC protein (p.Gln730Arg). The frequency data for this variant in the population databases is considered unreliable, as metrics indicate poor data quality at this position in the gnomAD database. This variant has not been reported in the literature in individuals affected with PLEC-related conditions. Invitae Evidence Modeling of protein sequence and biophysical properties (such as structural, functional, and spatial information, amino acid conservation, physicochemical variation, residue mobility, and thermodynamic stability) indicates that this missense variant is not expected to disrupt PLEC protein function with a negative predictive value of 80%. In summary, the available evidence is currently insufficient to determine the role of this variant in disease. Therefore, it has been classified as a Variant of Uncertain Significance.